The following is an entry in ClinVar:

ClinVar aggregate classification (germline): Uncertain significance (1 of 4 stars; one submission).

Conditions:
PRX-related disorder. Also called: PRX-Related Disorders; PRX-related condition.

gnomAD v4.1: 6 of 1,613,896 alleles (0.00037%); highest among the groups gnomAD compares: African/African-American, 0.008%; no homozygotes.

Submission:

PreventionGenetics, part of Exact Sciences
Classification: Uncertain significance for PRX-related condition. Last evaluated: 2026-06-16. Review status: criteria provided, single submitter. Criteria: ACMG Guidelines, 2015. Collection method: clinical testing. Allele origin: germline.
Comment: The PRX c.3229C>A variant is predicted to result in the amino acid substitution p.Gln1077Lys. To our knowledge, this variant has not been reported in the literature. This variant is reported in 0.018% of alleles in individuals of African descent in gnomAD. At this time, the clinical significance of this variant is uncertain due to the absence of conclusive functional and genetic evidence.

NM_181882.3(PRX):c.3229C>A (p.Gln1077Lys)

Gene: PRX (periaxin; minus strand). Cytogenetic location: 19q13.2.
Variant type: single nucleotide variant.
Coding change: c.3229C>A on transcript NM_181882.3 (MANE Select); coding-DNA position 3229, C replaced by A.
Protein change: p.Gln1077Lys; replaces glutamine 1077 with lysine.
Molecular consequence: missense variant. On other transcripts: 3 prime UTR variant (1).
Genome position (GRCh38, 1-based): chr19:40,395,123, G>T on the plus strand (C>A on the coding strand, the complement: PRX is on the minus strand). VCF-style: chr19-40395123-G-T. GRCh37 (hg19) VCF-style: chr19-40901030-G-T.
Other names: c.3514C>A, p.Gln1172Lys (NM_001411127.1); c.*3434C>A (NM_020956.2); short protein forms Q1172K, Q1077K.
Identifiers: ClinVar variation 4979481 (VCV004979481.1).
Genomic context (GRCh38, chr19:40,395,123, plus strand): 5'-GGATCTTAAGCTGCACAGCGGTGGACTCAGCCTTTTCCCCCGGGCTGGCACGATCACCTT[G>T]AACTTCTGCTTCCTTCCCTCGAGCCAGCCCAAAGGAAGGCATCTTCAGCTTGGGCATCTT-3'
Protein context (NP_870998.2, residues 1067-1087): GLARGKEAEV[Gln1077Lys]GDRASPGEKA